The following is an entry in ClinVar:

ClinVar aggregate classification (germline): Uncertain significance (1 of 4 stars; one submission).

Conditions:
Growth hormone insensitivity with immune dysregulation 1, autosomal recessive. Also called: GROWTH HORMONE INSENSITIVITY SYNDROME WITH IMMUNE DYSREGULATION 1, AUTOSOMAL RECESSIVE; GROWTH HORMONE INSENSITIVITY DUE TO POSTRECEPTOR DEFECT; LARON SYNDROME DUE TO POSTRECEPTOR DEFECT; Laron syndrome with immunodeficiency. Identifiers: Orphanet 220465, MedGen C5435698, MONDO:0100211, OMIM 245590.

Submission:

Labcorp Genetics (formerly Invitae), Labcorp
Classification: Uncertain significance for Growth hormone insensitivity with immune dysregulation 1, autosomal recessive. Last evaluated: 2021-08-19. Review status: criteria provided, single submitter. Criteria: Invitae Variant Classification Sherloc (09022015). Collection method: clinical testing. Allele origin: germline.
Comment: This sequence change replaces glycine with aspartic acid at codon 23 of the STAT5B protein (p.Gly23Asp). The glycine residue is highly conserved and there is a moderate physicochemical difference between glycine and aspartic acid. This variant is not present in population databases (ExAC no frequency). In summary, the available evidence is currently insufficient to determine the role of this variant in disease. Therefore, it has been classified as a Variant of Uncertain Significance. Algorithms developed to predict the effect of missense changes on protein structure and function are either unavailable or do not agree on the potential impact of this missense change (SIFT: "Tolerated"; PolyPhen-2: "Probably Damaging"; Align-GVGD: "Class C0"). This variant has not been reported in the literature in individuals affected with STAT5B-related conditions.

NM_012448.4(STAT5B):c.68G>A (p.Gly23Asp)

Gene: STAT5B (signal transducer and activator of transcription 5B; minus strand). Cytogenetic location: 17q21.2.
Variant type: single nucleotide variant.
Coding change: c.68G>A on transcript NM_012448.4 (MANE Select); coding-DNA position 68, G replaced by A.
Protein change: p.Gly23Asp; replaces glycine 23 with aspartic acid.
Molecular consequence: missense variant.
Genome position (GRCh38, 1-based): chr17:42,232,060, C>T on the plus strand (G>A on the coding strand, the complement: STAT5B is on the minus strand). VCF-style: chr17-42232060-C-T. GRCh37 (hg19) VCF-style: chr17-40384078-C-T.
Other names: short protein forms G23D.
Identifiers: ClinVar variation 1472431 (VCV001472431.6), dbSNP rs2144296821, ClinGen allele CA399593865.